The following is an entry in ClinVar:

NM_001267550.2(TTN):c.45674_45675del (p.Val15225fs)

Gene: TTN (titin; minus strand). Cytogenetic location: 2q31.2.
Variant type: Deletion.
Coding change: c.45674_45675del on transcript NM_001267550.2 (MANE Select); coding-DNA positions 45674 to 45675, 2 bases deleted (TT; older notation c.45674_45675delTT).
Protein change: p.Val15225fs; shifts the reading frame from valine 15225.
Molecular consequence: frameshift variant.
Genome position (GRCh38, 1-based): chr2:178,620,935-178,620,936, AA deleted on the plus strand (TT on the coding strand, the reverse complement: TTN is on the minus strand). VCF-style (leftmost placement, unchanged base first): chr2-178620934-CAA-C. GRCh37 (hg19) VCF-style: chr2-179485661-CAA-C.
Other names: c.45674_45675del (NM_001267550.1); c.18479_18480delTT (NM_003319.4); c.40751_40752del, p.Val13584fs (NM_001256850.1); c.18479_18480del, p.Val6160fs (NM_003319.4); c.37970_37971del, p.Val12657fs (NM_133378.4); c.18854_18855del, p.Val6285fs (NM_133432.3); c.19055_19056del, p.Val6352fs (NM_133437.4); short protein forms V6352fs, V15225fs, V12657fs, V6160fs, V6285fs, V13584fs.
Identifiers: ClinVar variation 1413718 (VCV001413718.9), dbSNP rs1232518763, ClinGen allele CA761292395.
Genomic context (GRCh38, chr2:178,620,934, plus strand): 5'-CTTCTTCATTTCTGAACCATTTGGCTTTGGCACCTTCAGTATTGACTTCACAGTTGAAGA[CAA>C]CTTCCTGTTGTTCCTTCACCCGGGTGTCCTTAAGAGGAACTACGATCCTGAGTTTTTCTG-3'

ClinVar aggregate classification (germline): Likely pathogenic. Review status: criteria provided, multiple submitters, no conflicts (2 of 4 stars). 3 submissions from 3 submitters: Likely pathogenic (3). Last evaluated 2026-10-20.

Conditions:
Cardiovascular phenotype. Identifiers: MedGen CN230736.
Autosomal recessive limb-girdle muscular dystrophy type 2J (LGMDR10). Also called: MUSCULAR DYSTROPHY, LIMB-GIRDLE, AUTOSOMAL RECESSIVE 10; Limb-girdle muscular dystrophy, type 2J. Identifiers: Orphanet 140922, MedGen C1837342, MONDO:0012127, OMIM 608807.
Dilated cardiomyopathy 1G (CMD1G). Identifiers: Orphanet 154, MedGen C1858763, MONDO:0011400, OMIM 604145.

Allele frequency attached by ClinVar (database versions not stated): TOPMed below 0.00001.

Submissions (3):

GeneDx
Classification: Likely pathogenic. Last evaluated: 2026-10-20. Review status: criteria provided, single submitter. Criteria: GeneDx Variant Classification Process June 2021. Collection method: clinical testing. Allele origin: germline.
Comment: Frameshift variant predicted to result in protein truncation or nonsense mediated decay in a gene for which loss of function is a known mechanism of disease; Located in a specific region of the I-band within TTN for which truncating variants are significantly associated with autosomal dominant cardiomyopathy and also with autosomal recessive skeletal myopathies (PMID: 27625338, 27869827, 32778822); Not observed at significant frequency in large population cohorts (gnomAD); Has not been previously published as pathogenic or benign to our knowledge; This variant is associated with the following publications: (PMID: 27625338, 27869827, 32778822)

Ambry Genetics
Classification: Likely pathogenic for Cardiovascular phenotype. Last evaluated: 2025-11-12. Review status: criteria provided, single submitter. Criteria: Ambry Variant Classification Scheme 2023. Collection method: clinical testing. Allele origin: germline.
Comment: The c.18479_18480delTT variant, located in coding exon 74 of the TTN gene, results from a deletion of two nucleotides at nucleotide positions 18479 to 18480, causing a translational frameshift with a predicted alternate stop codon (p.V6160Gfs*5). This exon is located in the I-band region of the N2-B isoform of the titin protein and is constitutively expressed in TTN transcripts (percent spliced in or PSI 100%). This variant is considered to be rare based on population cohorts in the Genome Aggregation Database (gnomAD). This variant is expected to result in loss of function by premature protein truncation or nonsense-mediated mRNA decay. While truncating variants in TTN are present in 1-3% of the general population, truncating variants in the A-band are the most common cause of dilated cardiomyopathy (Herman DS et al. N. Engl. J. Med., 2012 Feb;366:619-28; Roberts AM et al. Sci Transl Med, 2015 Jan;7:270ra6). TTN truncating variants encoded in constitutive exons (PSI >90%) have been found to be significantly associated with DCM regardless of their position in titin (Schafer S et al. Nat. Genet., 2017 01;49:46-53; Akhtar MM et al. Circ Heart Fail, 2020 Oct;13:e006832; Massier M et al. Clin Genet, 2025 Jan). Based on the majority of available evidence to date, this variant is likely to be pathogenic.

Labcorp Genetics (formerly Invitae), Labcorp
Classification: Likely pathogenic for Dilated cardiomyopathy 1G; Autosomal recessive limb-girdle muscular dystrophy type 2J. Last evaluated: 2025-04-06. Review status: criteria provided, single submitter. Criteria: Invitae Variant Classification Sherloc (09022015). Collection method: clinical testing. Allele origin: germline.
Comment: This sequence change creates a premature translational stop signal (p.Val15225Glyfs*5) in the TTN gene. While this is not anticipated to result in nonsense mediated decay, it is expected to create a truncated TTN protein. This variant is not present in population databases (gnomAD no frequency). This variant has not been reported in the literature in individuals affected with TTN-related conditions. ClinVar contains an entry for this variant (Variation ID: 1413718). This variant is located in the I band of TTN (PMID: 25589632). Truncating variants in this region have been reported in individuals affected with autosomal recessive centronuclear myopathy (PMID: 23975875, internal data). Truncating variants in this region have also been identified in individuals affected with autosomal dominant dilated cardiomyopathy and/or cardio-related conditions (PMID: 27869827, 32964742, internal data). In summary, the currently available evidence indicates that the variant is pathogenic, but additional data are needed to prove that conclusively. Therefore, this variant has been classified as Likely Pathogenic.

Literature cited by the submitters: PubMed 25589632 (cited by Labcorp Genetics (formerly Invitae), Labcorp); PubMed 23975875 (cited by Labcorp Genetics (formerly Invitae), Labcorp); PubMed 27869827 (cited by Labcorp Genetics (formerly Invitae), Labcorp); PubMed 32964742 (cited by Labcorp Genetics (formerly Invitae), Labcorp).